The following is an entry in ClinVar:

ClinVar aggregate classification (germline): Uncertain significance (1 of 4 stars; one submission).

Submission:

Women's Health and Genetics/Laboratory Corporation of America, LabCorp
Classification: Uncertain significance. Last evaluated: 2026-06-26. Review status: criteria provided, single submitter. Criteria: LabCorp Variant Classification Summary - May 2015. Collection method: clinical testing. Allele origin: germline.
Comment: Variant summary: The variant involves the duplication of exons 6-22 in the OGT gene. A presumed nomenclature of c.(648+1_649-1)_(*2099_?)dup has been designated for the purposes of this classification. The exact breakpoint at the 3' end of this variant is unknown, therefore this duplication may extend downstream of the annotated region of the gene. As it duplicates the termination codon, its effect on the encoded protein is unknown. The variant was absent in 16118 control chromosomes. The available data on variant occurrences in the general population are insufficient to allow any conclusion about variant significance. To our knowledge, no occurrence of c.(648+1_649-1)_(*2099_?)dup in individuals affected with OGT-related conditions and no experimental evidence demonstrating its impact on protein function have been reported. No submitters have cited clinical-significance assessments for this variant to ClinVar. Based on the evidence outlined above, the variant was classified as uncertain significance.

NC_000023.10:g.(70767874_70774362)_(70795743_?)dup

Gene: OGT (O-linked N-acetylglucosamine (GlcNAc) transferase; plus strand). Cytogenetic location: Xq13.1.
Variant type: Duplication.
Identifiers: ClinVar variation 4887643 (VCV004887643.1).